The following is an entry in ClinVar:

ClinVar aggregate classification (germline): Uncertain significance (1 of 4 stars; one submission).

Submission:

Labcorp Genetics (formerly Invitae), Labcorp
Classification: Uncertain significance. Last evaluated: 2025-03-24. Review status: criteria provided, single submitter. Criteria: Invitae Variant Classification Sherloc (09022015). Collection method: clinical testing. Allele origin: germline.
Comment: This sequence change replaces glycine, which is neutral and non-polar, with arginine, which is basic and polar, at codon 765 of the CTNNB1 protein (p.Gly765Arg). This variant is not present in population databases (gnomAD no frequency). This variant has not been reported in the literature in individuals affected with CTNNB1-related conditions. An algorithm developed to predict the effect of missense changes on protein structure and function (PolyPhen-2) suggests that this variant is likely to be tolerated. In summary, the available evidence is currently insufficient to determine the role of this variant in disease. Therefore, it has been classified as a Variant of Uncertain Significance.

NM_001904.4(CTNNB1):c.2293G>A (p.Gly765Arg)

Gene: CTNNB1 (catenin beta 1; plus strand). Cytogenetic location: 3p22.1.
Variant type: single nucleotide variant.
Coding change: c.2293G>A on transcript NM_001904.4 (MANE Select); coding-DNA position 2293, G replaced by A.
Protein change: p.Gly765Arg; replaces glycine 765 with arginine.
Molecular consequence: missense variant. On other transcripts: intron variant (2).
Genome position (GRCh38, 1-based): chr3:41,239,289, G>A. VCF-style: chr3-41239289-G-A. GRCh37 (hg19) VCF-style: chr3-41280780-G-A.
Other names: c.2293G>A, p.Gly765Arg (NM_001098209.2, NM_001098210.2, NM_001438871.1 and 2 more transcripts); c.2272G>A, p.Gly758Arg (NM_001330729.2); c.2077-371G>A (NM_001438874.1, NM_001438875.1); short protein forms G758R, G765R.
Identifiers: ClinVar variation 4711206 (VCV004711206.1).